The following is an entry in ClinVar:

NM_032638.5(GATA2):c.484A>C (p.Thr162Pro)

Gene: GATA2 (GATA binding protein 2; minus strand). Cytogenetic location: 3q21.3.
Variant type: single nucleotide variant.
Coding change: c.484A>C on transcript NM_032638.5 (MANE Select); coding-DNA position 484, A replaced by C.
Protein change: p.Thr162Pro; replaces threonine 162 with proline.
Molecular consequence: missense variant.
Genome position (GRCh38, 1-based): chr3:128,486,114, T>G on the plus strand (A>C on the coding strand, the complement: GATA2 is on the minus strand). VCF-style: chr3-128486114-T-G. GRCh37 (hg19) VCF-style: chr3-128204957-T-G.
Other names: c.484A>C, p.Thr162Pro (NM_001145661.2, NM_001145662.1); short protein forms T162P.
Identifiers: ClinVar variation 2924471 (VCV002924471.4), dbSNP rs770215567, ClinGen allele CA2600019.
Genomic context (GRCh38, chr3:128,486,114, plus strand): 5'-ACACTTCTTTGGGTGGCGTGGGTGGGAAGCCGAAAAGGTGGGAGCCAGAGTGGGCTGCTG[T>G]AGGGGTGAGGGAGGCCACTGAGCTCCCGCTGCCTCCCCCGCTCCCACCCCCAGCCCCTGG-3'
Protein context (NP_116027.2, residues 152-172): SGSSVASLTP[Thr162Pro]AAHSGSHLFG

ClinVar aggregate classification (germline): Conflicting classifications of pathogenicity. Review status: criteria provided, conflicting classifications (1 of 4 stars). 2 submissions from 2 submitters: Uncertain significance (1); Likely benign (1). Last evaluated 2026-08-22.

Conditions:
Deafness-lymphedema-leukemia syndrome. Also called: Emberger syndrome; Lymphedema, primary, with myelodysplasia. Identifiers: Orphanet 3226, MedGen C3279664, MONDO:0013540, OMIM 614038.
Monocytopenia with susceptibility to infections. Also called: MONOCYTOPENIA AND MYCOBACTERIAL INFECTION SYNDROME; MONOCYTOPENIA WITH SUSCEPTIBILITY TO MYCOBACTERIAL, FUNGAL, AND PAPILLOMAVIRUS INFECTIONS AND MYELODYSPLASIA; COMBINED IMMUNODEFICIENCY WITH SUSCEPTIBILITY TO MYCOBACTERIAL, VIRAL, AND FUNGAL INFECTIONS; Dendritic cell, monocyte, B lymphocyte, and natural killer lymphocyte deficiency; GATA2 DEFICIENCY; IMMUNODEFICIENCY 21. Identifiers: Orphanet 228423, MedGen C3280030, MONDO:0013607, OMIM 614172.
Inborn genetic diseases. Identifiers: MedGen C0950123, MeSH D030342.

Allele frequency attached by ClinVar (database versions not stated): ExAC 0.00001.
gnomAD v4.1: 2 of 1,612,376 alleles (0.00012%); highest among the groups gnomAD compares: South Asian, 0.0011%; no homozygotes.

Submissions (2):

Ambry Genetics
Classification: Uncertain significance for Inborn genetic diseases. Last evaluated: 2026-08-22. Review status: criteria provided, single submitter. Criteria: Ambry Variant Classification Scheme 2023. Collection method: clinical testing. Allele origin: germline.
Comment: The p.T162P variant (also known as c.484A>C), located in coding exon 2 of the GATA2 gene, results from an A to C substitution at nucleotide position 484. The threonine at codon 162 is replaced by proline, an amino acid with highly similar properties. This amino acid position is conserved. In addition, the in silico prediction for this alteration is inconclusive. Based on the available evidence, the clinical significance of this variant remains unclear.

Labcorp Genetics (formerly Invitae), Labcorp
Classification: Likely benign for Monocytopenia with susceptibility to infections; Deafness-lymphedema-leukemia syndrome. Last evaluated: 2023-03-07. Review status: criteria provided, single submitter. Criteria: Invitae Variant Classification Sherloc (09022015). Collection method: clinical testing. Allele origin: germline.